The following is an entry in ClinVar:

ClinVar aggregate classification (germline): Pathogenic (1 of 4 stars; one submission).

Submission:

GeneDx
Classification: Pathogenic. Last evaluated: 2024-09-16. Review status: criteria provided, single submitter. Criteria: GeneDx Variant Classification Process June 2021. Collection method: clinical testing. Allele origin: germline. Affected: yes.
Comment: Nonsense variant predicted to result in protein truncation or nonsense mediated decay in a gene for which loss of function is a known mechanism of disease; Not observed at significant frequency in large population cohorts (gnomAD); This variant is associated with the following publications: (PMID: 12070251, 27311832, 37501076, 31566936)

NM_004380.3(CREBBP):c.1318C>T (p.Arg440Ter)

Gene: CREBBP (CREB binding protein; minus strand). Cytogenetic location: 16p13.3.
Variant type: single nucleotide variant.
Coding change: c.1318C>T on transcript NM_004380.3 (MANE Select); coding-DNA position 1318, C replaced by T.
Protein change: p.Arg440Ter; replaces arginine 440 with a stop codon.
Molecular consequence: nonsense. On other transcripts: intron variant (1).
Genome position (GRCh38, 1-based): chr16:3,791,993, G>A on the plus strand (C>T on the coding strand, the complement: CREBBP is on the minus strand). VCF-style: chr16-3791993-G-A. GRCh37 (hg19) VCF-style: chr16-3841994-G-A.
Other names: c.1216+1393C>T (NM_001079846.1); short protein forms R440*.
Identifiers: ClinVar variation 3769817 (VCV003769817.1).
Genomic context (GRCh38, chr16:3,791,993, plus strand): 5'-CAACTTCTATTCTCATCTCCAAGCTTCTCTGCCCCCGTGCTCACTTACTTTGTTGGTTTC[G>A]CTTGTCACTGGCATTTTTCAAAGGGAGGCAAACAGGACAGTCATGTCGTGTGCAGTTCTT-3'